The following is an entry in ClinVar:

NM_001012426.2(FOXP4):c.590del (p.Leu197fs)

Gene: FOXP4 (forkhead box P4; plus strand). Cytogenetic location: 6p21.1.
Variant type: Deletion.
Coding change: c.590del on transcript NM_001012426.2 (MANE Select); coding-DNA position 590, one base deleted (T; older notation c.590delT).
Protein change: p.Leu197fs; shifts the reading frame from leucine 197.
Molecular consequence: frameshift variant.
Genome position (GRCh38, 1-based): chr6:41,587,088, T deleted. VCF-style (leftmost placement, unchanged base first): chr6-41587087-CT-C. GRCh37 (hg19) VCF-style: chr6-41554825-CT-C.
Other names: c.584del, p.Leu195fs (NM_001012427.2); c.590del, p.Leu197fs (NM_001405824.1, NM_138457.3); c.494del, p.Leu165fs (NM_001405825.1, NM_001405826.1); short protein forms L165fs, L195fs, L197fs.
Identifiers: ClinVar variation 4292152 (VCV004292152.1).

ClinVar aggregate classification (germline): Uncertain significance (1 of 4 stars; one submission).

Conditions:
FOXP4-related disorder. Also called: FOXP4-related condition.

Submission:

3billion
Classification: Uncertain significance for FOXP4-related disorder. Last evaluated: 2025-02-28. Review status: criteria provided, single submitter. Criteria: ACMG Guidelines, 2015. Collection method: clinical testing. Allele origin: germline. Affected: yes.
Comment: The variant is not observed in the gnomAD v4.1.0 dataset. Predicted Consequence/Location: Frameshift: predicted to result in a loss or disruption of normal protein function through nonsense-mediated decay (NMD) or protein truncation. Multiple pathogenic variants are reported downstream of the variant. Therefore, this variant is classified as VUS according to the recommendation of ACMG/AMP guideline.